The following is an entry in ClinVar:

ClinVar aggregate classification (germline): Uncertain significance. Review status: criteria provided, multiple submitters, no conflicts (2 of 4 stars). 2 submissions from 2 submitters: Uncertain significance (2). Last evaluated 2024-08-26.

Conditions:
Inborn genetic diseases. Identifiers: MedGen C0950123, MeSH D030342.

gnomAD v4.1: 12 of 1,613,612 alleles (0.00074%); highest among the groups gnomAD compares: Non-Finnish European, 0.00093%; no homozygotes.

Submissions (2):

Ambry Genetics
Classification: Uncertain significance for Inborn genetic diseases. Last evaluated: 2024-08-26. Review status: criteria provided, single submitter. Criteria: Ambry Variant Classification Scheme 2023. Collection method: clinical testing. Allele origin: germline.

Labcorp Genetics (formerly Invitae), Labcorp
Classification: Uncertain significance. Last evaluated: 2022-08-20. Review status: criteria provided, single submitter. Criteria: Invitae Variant Classification Sherloc (09022015). Collection method: clinical testing. Allele origin: germline.
Comment: This sequence change replaces valine, which is neutral and non-polar, with isoleucine, which is neutral and non-polar, at codon 3419 of the PCLO protein (p.Val3419Ile). This variant is present in population databases (rs758856830, gnomAD 0.0009%). This variant has not been reported in the literature in individuals affected with PCLO-related conditions. ClinVar contains an entry for this variant (Variation ID: 1418460). Algorithms developed to predict the effect of missense changes on protein structure and function are either unavailable or do not agree on the potential impact of this missense change (SIFT: "Tolerated"; PolyPhen-2: "Not Available"; Align-GVGD: "Class C0"). In summary, the available evidence is currently insufficient to determine the role of this variant in disease. Therefore, it has been classified as a Variant of Uncertain Significance.

NM_033026.6(PCLO):c.10255G>A (p.Val3419Ile)

Gene: PCLO (piccolo presynaptic cytomatrix protein; minus strand). Cytogenetic location: 7q21.11.
Variant type: single nucleotide variant.
Coding change: c.10255G>A on transcript NM_033026.6 (MANE Select); coding-DNA position 10255, G replaced by A.
Protein change: p.Val3419Ile; replaces valine 3419 with isoleucine.
Molecular consequence: missense variant.
Genome position (GRCh38, 1-based): chr7:82,950,333, C>T on the plus strand (G>A on the coding strand, the complement: PCLO is on the minus strand). VCF-style: chr7-82950333-C-T. GRCh37 (hg19) VCF-style: chr7-82579649-C-T.
Other names: c.10255G>A, p.Val3419Ile (NM_014510.3); c.10255G>A (NM_033026.5); short protein forms V3419I.
Identifiers: ClinVar variation 1418460 (VCV001418460.6), dbSNP rs758856830, ClinGen allele CA4319768.